The following is an entry in ClinVar:

ClinVar aggregate classification (germline): Benign. Review status: criteria provided, multiple submitters, no conflicts (2 of 4 stars). 2 submissions from 2 submitters: Benign (2). Last evaluated 2018-06-18.

Allele frequency attached by ClinVar (database versions not stated): gnomAD 0.22527 and 0.23198; TOPMed 0.23743; gnomAD exomes 0.25989; 1000 Genomes Project 30x 0.26765; 1000 Genomes Project 0.27396.
gnomAD v4.1: 340,526 of 1,325,804 alleles (26%); highest among the groups gnomAD compares: East Asian, 49%; 46,571 homozygotes.

Submissions (2):

GeneDx
Classification: Benign. Last evaluated: 2018-06-18. Review status: criteria provided, single submitter. Criteria: GeneDx Variant Classification (06012015). Collection method: clinical testing. Allele origin: germline. Affected: yes.
Comment: This variant is considered likely benign or benign based on one or more of the following criteria: it is a conservative change, it occurs at a poorly conserved position in the protein, it is predicted to be benign by multiple in silico algorithms, and/or has population frequency not consistent with disease.

Breakthrough Genomics
Classification: Benign. Review status: criteria provided, single submitter. Criteria: ACMG Guidelines, 2015. Collection method: not provided. Allele origin: germline. Inheritance: Autosomal dominant inheritance. Affected: yes.

NM_005902.4(SMAD3):c.872-113G>T

Gene: SMAD3 (SMAD family member 3; plus strand). Cytogenetic location: 15q22.33.
Variant type: single nucleotide variant.
Coding change: c.872-113G>T on transcript NM_005902.4 (MANE Select); 113 bases into the intron before coding-DNA position 872, G replaced by T.
Molecular consequence: intron variant.
Genome position (GRCh38, 1-based): chr15:67,184,614, G>T. VCF-style: chr15-67184614-G-T. GRCh37 (hg19) VCF-style: chr15-67476952-G-T.
Other names: c.557-113G>T (NM_001145102.2); c.740-113G>T (NM_001145103.2); c.287-113G>T (NM_001145104.2).
Identifiers: ClinVar variation 673139 (VCV000673139.2), dbSNP rs2289791, ClinGen allele CA14104835.